The following is an entry in ClinVar:

ClinVar aggregate classification (germline): Pathogenic (1 of 4 stars; one submission).

Submission:

Labcorp Genetics (formerly Invitae), Labcorp
Classification: Pathogenic. Last evaluated: 2021-07-12. Review status: criteria provided, single submitter. Criteria: Invitae Variant Classification Sherloc (09022015). Collection method: clinical testing. Allele origin: germline.
Comment: This variant is not present in population databases (ExAC no frequency). For these reasons, this variant has been classified as Pathogenic. Studies have shown that disruption of this splice site alters mRNA splicing and is expected to lead to the loss of protein expression (PMID: 25638459). Disruption of this splice site has been observed in individual(s) with variegate porphyria (PMID: 18570668). This sequence change affects an acceptor splice site in intron 7 of the PPOX gene. It is expected to disrupt RNA splicing. Variants that disrupt the donor or acceptor splice site typically lead to a loss of protein function (PMID: 16199547), and loss-of-function variants in PPOX are known to be pathogenic (PMID: 10486317).

Literature cited by the submitters: PubMed 25638459; PubMed 18570668; PubMed 16199547; PubMed 10486317.

NM_001122764.3(PPOX):c.808-1G>A

Gene: PPOX (protoporphyrinogen oxidase; plus strand). Cytogenetic location: 1q23.3.
Variant type: single nucleotide variant.
Coding change: c.808-1G>A on transcript NM_001122764.3 (MANE Select); the canonical splice acceptor site of the intron before coding-DNA position 808, G replaced by A.
Molecular consequence: splice acceptor variant.
Genome position (GRCh38, 1-based): chr1:161,169,659, G>A. VCF-style: chr1-161169659-G-A. GRCh37 (hg19) VCF-style: chr1-161139449-G-A.
Other names: c.322-1G>A (NM_001350130.2, NM_001350131.2, NM_001365401.1); c.709-1G>A (NM_001350128.2); c.400-1G>A (NM_001350129.2, NM_001365400.1); c.808-1G>A (NM_001365399.1, NM_000309.5, NM_001365398.1).
Identifiers: ClinVar variation 1451705 (VCV001451705.6), dbSNP rs2101886022, ClinGen allele CA343355870.
Genomic context (GRCh38, chr1:161,169,659, plus strand): 5'-GTCTCTTTTCACTCATCAAATTCTCATTTTCTGGGTCTCTCAAATGTTTTCATGCTCTCA[G>A]GTATCTCTAAGGGACAGCAGTCTGGAGGCTGACCACGTTATTAGTGCCATTCCAGCTTCA-3'